The following is an entry in ClinVar:

ClinVar aggregate classification (germline): Benign/Likely benign. Review status: criteria provided, multiple submitters, no conflicts (2 of 4 stars). 4 submissions from 4 submitters: Benign (1); Likely benign (3). Last evaluated 2026-01-19.

Conditions:
Epileptic encephalopathy. Identifiers: MedGen C0543888, HP:0200134.

Allele frequency attached by ClinVar (database versions not stated): TOPMed 0.00007; gnomAD 0.00013 and 0.00014; gnomAD exomes 0.00013 and 0.00024; 1000 Genomes Project 30x 0.00016; 1000 Genomes Project 0.00020; ExAC 0.00025.
gnomAD v4.1: 214 of 1,612,518 alleles (0.013%); highest among the groups gnomAD compares: South Asian, 0.0088%; 3 homozygotes.

Submissions (4):

Labcorp Genetics (formerly Invitae), Labcorp
Classification: Likely benign for Epileptic encephalopathy. Last evaluated: 2026-01-19. Review status: criteria provided, single submitter. Criteria: Invitae Variant Classification Sherloc (09022015). Collection method: clinical testing. Allele origin: germline.

CeGaT Center for Human Genetics Tuebingen
Classification: Likely benign. Last evaluated: 2025-09-01. Review status: criteria provided, single submitter. Criteria: CeGaT Center For Human Genetics Tuebingen Variant Classification Criteria Version 2. Collection method: clinical testing. Allele origin: germline. Affected: yes. Observed: 2 variant alleles.
Comment: GABBR2: BS2

Laboratory of Genetics, Children's Clinical University Hospital Latvia
Classification: Benign. Last evaluated: 2025-02-16. Review status: criteria provided, single submitter. Criteria: ACMG Guidelines, 2015. Collection method: clinical testing. Allele origin: germline. Affected: yes.

Blueprint Genetics
Classification: Likely benign. Last evaluated: 2024-11-23. Review status: criteria provided, single submitter. Criteria: ACMG Guidelines, 2015. Collection method: clinical testing. Allele origin: germline.

NM_005458.8(GABBR2):c.1384G>A (p.Glu462Lys)

Gene: GABBR2 (gamma-aminobutyric acid type B receptor subunit 2; minus strand). Cytogenetic location: 9q22.33.
Variant type: single nucleotide variant.
Coding change: c.1384G>A on transcript NM_005458.8 (MANE Select); coding-DNA position 1384, G replaced by A.
Protein change: p.Glu462Lys; replaces glutamic acid 462 with lysine.
Molecular consequence: missense variant.
Genome position (GRCh38, 1-based): chr9:98,388,999, C>T on the plus strand (G>A on the coding strand, the complement: GABBR2 is on the minus strand). VCF-style: chr9-98388999-C-T. GRCh37 (hg19) VCF-style: chr9-101151281-C-T.
Other names: short protein forms E462K.
Identifiers: ClinVar variation 1109510 (VCV001109510.18), dbSNP rs202080871, ClinGen allele CA5152721.